The following is an entry in ClinVar:

NM_025136.4(OPA3):c.537A>G (p.Lys179=)

Genes: OPA3 (outer mitochondrial membrane lipid metabolism regulator OPA3; minus strand), OPA3-RTN2 (OPA3-RTN2 readthrough; minus strand). Cytogenetic location: 19q13.32.
Variant type: single nucleotide variant.
Coding change: c.537A>G on transcript NM_025136.4 (MANE Select); coding-DNA position 537, A replaced by G.
Protein change: p.Lys179=; no amino-acid change (lysine 179 retained).
Molecular consequence: synonymous variant. On other transcripts: intron variant (1).
Genome position (GRCh38, 1-based): chr19:45,553,517, T>C on the plus strand (A>G on the coding strand, the complement: OPA3 is on the minus strand). VCF-style: chr19-45553517-T-C. GRCh37 (hg19) VCF-style: chr19-46056775-T-C.
Other names: c.143-24061A>G (NM_001017989.3).
Identifiers: ClinVar variation 386291 (VCV000386291.19), dbSNP rs140105522, ClinGen allele CA9517373.

ClinVar aggregate classification (germline): Benign/Likely benign. Review status: criteria provided, multiple submitters, no conflicts (2 of 4 stars). 6 submissions from 6 submitters: Benign (1); Likely benign (5). Last evaluated 2026-04-01.

Conditions:
3-Methylglutaconic aciduria type 3 (MGCA3). Also called: Costeff Syndrome; OPA3, AUTOSOMAL RECESSIVE; OPTIC ATROPHY 3, AUTOSOMAL RECESSIVE; OPA3-Related 3-Methylglutaconic Aciduria. Identifiers: Orphanet 67047, MedGen C0574084, MONDO:0009787, OMIM 258501.
Optic atrophy 3 (OPA3). Also called: OPTIC ATROPHY 3, AUTOSOMAL DOMINANT; Optic atrophy, cataract, and neurologic disorder; Optic atrophy 3 with cataract. Identifiers: Orphanet 67036, MedGen C1833809, MONDO:0008133, OMIM 165300.

Allele frequency attached by ClinVar (database versions not stated): gnomAD exomes 0.00010 and 0.00035; ExAC 0.00043; 1000 Genomes Project 0.00100; 1000 Genomes Project 30x 0.00125; ESP Exome Variant Server 0.00132; gnomAD 0.00145 and 0.00158; TOPMed 0.00166.

Submissions (6):

CeGaT Center for Human Genetics Tuebingen
Classification: Likely benign. Last evaluated: 2026-04-01. Review status: criteria provided, single submitter. Criteria: CeGaT Center For Human Genetics Tuebingen Variant Classification Criteria Version 2. Collection method: clinical testing. Allele origin: germline. Affected: yes. Observed: 1 variant allele.
Comment: OPA3: BP4, BP7

Labcorp Genetics (formerly Invitae), Labcorp
Classification: Benign for 3-Methylglutaconic aciduria type 3; Optic atrophy 3. Last evaluated: 2026-01-25. Review status: criteria provided, single submitter. Criteria: Invitae Variant Classification Sherloc (09022015). Collection method: clinical testing. Allele origin: germline.

Blueprint Genetics
Classification: Likely benign. Last evaluated: 2024-08-28. Review status: criteria provided, single submitter. Criteria: ACMG Guidelines, 2015. Collection method: clinical testing. Allele origin: germline.

GeneDx
Classification: Likely benign. Last evaluated: 2021-03-18. Review status: criteria provided, single submitter. Criteria: GeneDx Variant Classification Process June 2021. Collection method: clinical testing. Allele origin: germline. Affected: yes.

Eurofins Ntd Llc (ga)
Classification: Likely benign. Last evaluated: 2018-01-25. Review status: criteria provided, single submitter. Criteria: EGL Classification Definitions 2015. Collection method: clinical testing. Allele origin: germline. Observed: 3 variant alleles, 3 heterozygotes.

Breakthrough Genomics
Classification: Likely benign. Review status: criteria provided, single submitter. Criteria: ACMG Guidelines, 2015. Collection method: not provided. Allele origin: germline. Inheritance: Autosomal recessive inheritance. Affected: yes.